The following is an entry in ClinVar:

NM_000075.4(CDK4):c.777G>A (p.Ser259=)

Genes: CDK4 (cyclin dependent kinase 4; minus strand), TSPAN31 (tetraspanin 31; plus strand). Cytogenetic location: 12q14.1.
Variant type: single nucleotide variant.
Coding change: c.777G>A on transcript NM_000075.4 (MANE Select); coding-DNA position 777, G replaced by A.
Protein change: p.Ser259=; no amino-acid change (serine 259 retained).
Molecular consequence: synonymous variant. On other transcripts: 3 prime UTR variant (3).
Genome position (GRCh38, 1-based): chr12:57,749,224, C>T on the plus strand (G>A on the coding strand, the complement: CDK4 is on the minus strand). VCF-style: chr12-57749224-C-T. GRCh37 (hg19) VCF-style: chr12-58143007-C-T.
Other names: c.*1934C>T (NM_001330169.2, NM_005981.5, NM_001330168.2).
Identifiers: ClinVar variation 377643 (VCV000377643.17), dbSNP rs3211622, ClinGen allele CA6657689.
Genomic context (GRCh38, chr12:57,749,224, plus strand): 5'-CACAGCCATCTCCAGTACCAGCAGCAGCTGTGCTCCCGACTCCTCCATCTCAGGTACCAC[C>T]GACTGCACTGGGCGGGGCCCTCTGGGGGGAAAGGCTCCACGGGGCAGGGATACATCTCGA-3'
Protein context (NP_000066.1, residues 249-269): FPPRGPRPVQ[Ser259=]VVPEMEESGA

ClinVar aggregate classification (germline): Benign/Likely benign. Review status: criteria provided, multiple submitters, no conflicts (2 of 4 stars). 6 submissions from 6 submitters: Benign (2); Likely benign (4). Last evaluated 2026-01-07.

Conditions:
CDK4-related disorder. Also called: CDK4-related condition.
Familial melanoma. Also called: Hereditary melanoma; Hereditary cutaneous melanoma. Identifiers: Orphanet 618, MedGen C1512419, MONDO:0018961.
Melanoma, cutaneous malignant, susceptibility to, 3. Also called: Cutaneous malignant melanoma 3. Identifiers: Orphanet 618, MedGen C1836892, MONDO:0012183, OMIM 609048.
Hereditary cancer-predisposing syndrome. Also called: Hereditary neoplastic syndrome; Neoplastic Syndromes, Hereditary; Hereditary Cancer Syndrome; Tumor predisposition. Identifiers: Orphanet 140162, MedGen C0027672, MeSH D009386, MONDO:0015356.

Allele frequency attached by ClinVar (database versions not stated): gnomAD 0.00001; TOPMed 0.00001; gnomAD exomes 0.00002; ExAC 0.00003.
gnomAD v4.1: 22 of 1,613,926 alleles (0.0014%); highest among the groups gnomAD compares: African/African-American, 0.004%; no homozygotes.

Submissions (6):

Labcorp Genetics (formerly Invitae), Labcorp
Classification: Likely benign for Familial melanoma. Last evaluated: 2026-01-07. Review status: criteria provided, single submitter. Criteria: Invitae Variant Classification Sherloc (09022015). Collection method: clinical testing. Allele origin: germline.

PreventionGenetics, part of Exact Sciences
Classification: Likely benign for CDK4-related condition. Last evaluated: 2025-09-15. Review status: criteria provided, single submitter. Criteria: ACMG Guidelines, 2015. Collection method: clinical testing. Allele origin: germline.
Comment: This variant is classified as likely benign based on ACMG/AMP sequence variant interpretation guidelines (Richards et al. 2015 PMID: 25741868, with internal and published modifications).

Myriad Genetics, Inc.
Classification: Benign for Melanoma, cutaneous malignant, susceptibility to, 3. Last evaluated: 2024-09-26. Review status: criteria provided, single submitter. Criteria: Myriad Autosomal Dominant, Autosomal Recessive and X-Linked Classification Criteria (2023). Collection method: clinical testing. Allele origin: unknown.
Comment: This variant is considered benign. This variant is a silent/synonymous amino acid change and it is not expected to impact splicing.

Women's Health and Genetics/Laboratory Corporation of America, LabCorp
Classification: Likely benign. Last evaluated: 2016-04-11. Review status: criteria provided, single submitter. Criteria: LabCorp Variant Classification Summary - May 2015. Collection method: clinical testing. Allele origin: germline.
Comment: Variant summary: The variant of interest causes a synonymous change involving a non-conserved nucleotide with 4/5 in silico tools via Alamut predicting no significant effect on splicing, although these predictions have yet to be functionally assessed. The variant of interest was observed in the large, broad control population, ExAC, with an allele frequency of 4/120492 (1/30120), which exceeds the predicted maximum expected allele frequency for a pathogenic CDK4 variant of 1/50000. However, these observations need to be cautiously considered due to the cohort including individuals that could harbor a CDK4-causing phenotype. In addition, the variant of interest, to our knowledge, has not been reported in affected individuals via publications and/or reputable databases/clinical laboratories. Therefore, taking all available lines of evidence into consideration the variant of interest is classified as likely benign.

GeneDx
Classification: Benign. Last evaluated: 2015-09-15. Review status: criteria provided, single submitter. Criteria: GeneDx Variant Classification (06012015). Collection method: clinical testing. Allele origin: germline. Affected: yes.
Comment: This variant is considered likely benign or benign based on one or more of the following criteria: it is a conservative change, it occurs at a poorly conserved position in the protein, it is predicted to be benign by multiple in silico algorithms, and/or has population frequency not consistent with disease.

Ambry Genetics
Classification: Likely benign for Hereditary cancer-predisposing syndrome. Last evaluated: 2015-04-29. Review status: criteria provided, single submitter. Criteria: Ambry Variant Classification Scheme 2023. Collection method: clinical testing. Allele origin: germline.